The following is an entry in ClinVar:

NM_000138.5(FBN1):c.8427G>A (p.Lys2809=)

Gene: FBN1 (fibrillin 1; minus strand). Cytogenetic location: 15q21.1.
Variant type: single nucleotide variant.
Coding change: c.8427G>A on transcript NM_000138.5 (MANE Select); coding-DNA position 8427, G replaced by A.
Protein change: p.Lys2809=; no amino-acid change (lysine 2809 retained).
Molecular consequence: synonymous variant.
Genome position (GRCh38, 1-based): chr15:48,411,179, C>T on the plus strand (G>A on the coding strand, the complement: FBN1 is on the minus strand). VCF-style: chr15-48411179-C-T. GRCh37 (hg19) VCF-style: chr15-48703376-C-T.
Other names: c.8427G>A, p.Lys2809= (NM_001406716.1).
Identifiers: ClinVar variation 3072682 (VCV003072682.1), dbSNP rs2505371081, ClinGen allele CA490118908.

ClinVar aggregate classification (germline): Likely benign (1 of 4 stars; one submission).

Conditions:
Marfan syndrome (MFS). Also called: MARFAN SYNDROME, TYPE I; Marfan syndrome type 1; Marfan's syndrome; Marfan syndrome, classic; FBN1-Related Marfan Syndrome. Identifiers: Orphanet 284963, Orphanet 558, MedGen C0024796, MONDO:0007947, OMIM 154700.

Submission:

All of Us Research Program, National Institutes of Health
Classification: Likely benign for Marfan syndrome. Last evaluated: 2023-08-15. Review status: criteria provided, single submitter. Criteria: ACMG Guidelines, 2015. Collection method: clinical testing. Allele origin: germline. Inheritance: Autosomal dominant inheritance. Observed: 1 variant allele, 1 heterozygote.
Comment: This study involves interpretation of variants in research participants for the purpose of population health screening. Participant phenotype was not available at the time of variant classification. Additional details can be found in publication PMID: 35346344, PMCID: PMC8962531